The following is an entry in ClinVar:

ClinVar aggregate classification (germline): Likely benign (0 of 4 stars; one submission).

Conditions:
CD36-related disorder. Also called: CD36-related disorders; CD36-related condition.

Allele frequency attached by ClinVar (database versions not stated): TOPMed 0.00001; ExAC 0.00002.
gnomAD v4.1: 24 of 1,607,938 alleles (0.0015%); highest among the groups gnomAD compares: Middle Eastern, 0.088%; no homozygotes.

Submission:

PreventionGenetics, part of Exact Sciences
Classification: Likely benign for CD36-related condition. Last evaluated: 2022-01-14. Review status: no assertion criteria provided. Collection method: clinical testing. Allele origin: germline.
Comment: This variant is classified as likely benign based on ACMG/AMP sequence variant interpretation guidelines (Richards et al. 2015 PMID: 25741868, with internal and published modifications).

NM_001001548.3(CD36):c.1101T>C (p.His367=)

Gene: CD36 (CD36 molecule (CD36 blood group); plus strand). Cytogenetic location: 7q21.11.
Variant type: single nucleotide variant.
Coding change: c.1101T>C on transcript NM_001001548.3 (MANE Select); coding-DNA position 1101, T replaced by C.
Protein change: p.His367=; no amino-acid change (histidine 367 retained).
Molecular consequence: synonymous variant. On other transcripts: non-coding transcript variant (1).
Genome position (GRCh38, 1-based): chr7:80,672,016, T>C. VCF-style: chr7-80672016-T-C. GRCh37 (hg19) VCF-style: chr7-80301332-T-C.
Other names: c.1101T>C, p.His367= (NM_000072.3, NM_001001547.3, NM_001127443.2 and 5 more transcripts); c.984T>C, p.His328= (NM_001289908.1); c.921T>C, p.His307= (NM_001289909.1); c.873T>C, p.His291= (NM_001289911.2); c.999T>C, p.His333= (NM_001371079.1); c.636T>C, p.His212= (NM_001371080.1, NM_001371081.1).
Identifiers: ClinVar variation 3061727 (VCV003061727.2), dbSNP rs141604812, ClinGen allele CA4315592.